The following is an entry in ClinVar:

ClinVar aggregate classification (germline): Conflicting classifications of pathogenicity. Review status: criteria provided, conflicting classifications (1 of 4 stars). 6 submissions from 6 submitters: Uncertain significance (5); Likely benign (1). Last evaluated 2024-11-20.

Conditions:
Primary ciliary dyskinesia. Also called: Ciliary dyskinesia. Identifiers: Orphanet 244, MedGen C0008780, MONDO:0016575, HP:0012265.
Congenital heart disease (CHD). Identifiers: MedGen C0152021, MONDO:0005453. Disease mechanism: unknown.
Primary ciliary dyskinesia 18. Also called: CILIARY DYSKINESIA, PRIMARY, 18, WITH OR WITHOUT SITUS INVERSUS. Identifiers: Orphanet 244, MedGen C3543825, MONDO:0013940, OMIM 614874.

Allele frequency attached by ClinVar (database versions not stated): 1000 Genomes Project 30x 0.00031; gnomAD 0.00039; TOPMed 0.00040; gnomAD exomes 0.00061 and 0.00067.
gnomAD v4.1: 844 of 1,325,432 alleles (0.064%); highest among the groups gnomAD compares: Middle Eastern, 0.17%; 1 homozygote.

Submissions (6):

Blueprint Genetics
Classification: Uncertain significance. Last evaluated: 2024-11-20. Review status: criteria provided, single submitter. Criteria: ACMG Guidelines, 2015. Collection method: clinical testing. Allele origin: germline.

Labcorp Genetics (formerly Invitae), Labcorp
Classification: Uncertain significance for Primary ciliary dyskinesia. Last evaluated: 2022-09-12. Review status: criteria provided, single submitter. Criteria: Invitae Variant Classification Sherloc (09022015). Collection method: clinical testing. Allele origin: germline.
Comment: This sequence change replaces arginine, which is basic and polar, with serine, which is neutral and polar, at codon 184 of the DNAAF5 protein (p.Arg184Ser). This variant is present in population databases (no rsID available, gnomAD 0.09%), and has an allele count higher than expected for a pathogenic variant. This variant has not been reported in the literature in individuals affected with DNAAF5-related conditions. ClinVar contains an entry for this variant (Variation ID: 241208). Advanced modeling of protein sequence and biophysical properties (such as structural, functional, and spatial information, amino acid conservation, physicochemical variation, residue mobility, and thermodynamic stability) performed at Invitae indicates that this missense variant is expected to disrupt DNAAF5 protein function. Algorithms developed to predict the effect of sequence changes on RNA splicing suggest that this variant may create or strengthen a splice site. In summary, the available evidence is currently insufficient to determine the role of this variant in disease. Therefore, it has been classified as a Variant of Uncertain Significance.

Cambridge Genomics Laboratory, East Genomic Laboratory Hub, NHS Genomic Medicine Service
Classification: Uncertain significance for Congenital heart disease. Last evaluated: 2020-08-12. Review status: criteria provided, single submitter. Criteria: ACGS Best Practice Guidelines for Variant Classification in Rare Disease 2020. Collection method: clinical testing. Allele origin: germline. Affected: yes. Observed: 1 variant allele.

Ambry Genetics
Classification: Likely benign for Primary ciliary dyskinesia. Last evaluated: 2020-08-10. Review status: criteria provided, single submitter. Criteria: Ambry Variant Classification Scheme 2023. Collection method: clinical testing. Allele origin: germline.

Fulgent Genetics
Classification: Uncertain significance for Primary ciliary dyskinesia 18. Last evaluated: 2018-10-31. Review status: criteria provided, single submitter. Criteria: ACMG Guidelines, 2015. Collection method: clinical testing. Allele origin: unknown.

Breakthrough Genomics
Classification: Uncertain significance. Review status: criteria provided, single submitter. Criteria: ACMG Guidelines, 2015. Collection method: not provided. Allele origin: germline. Inheritance: Autosomal recessive inheritance. Affected: yes.

NM_017802.4(DNAAF5):c.550C>A (p.Arg184Ser)

Genes: DNAAF5 (dynein axonemal assembly factor 5; plus strand), PRKAR1B (protein kinase cAMP-dependent type I regulatory subunit beta; minus strand), LOC129997731 (ATAC-STARR-seq lymphoblastoid silent region 17817; plus strand). Cytogenetic location: 7p22.3.
Variant type: single nucleotide variant.
Coding change: c.550C>A on transcript NM_017802.4 (MANE Select); coding-DNA position 550, C replaced by A.
Protein change: p.Arg184Ser; replaces arginine 184 with serine.
Molecular consequence: missense variant. On other transcripts: non-coding transcript variant (1), 5 prime UTR variant (1), intron variant (2).
Genome position (GRCh38, 1-based): chr7:727,270, C>A. VCF-style: chr7-727270-C-A. GRCh37 (hg19) VCF-style: chr7-766907-C-A.
Other names: c.-83G>T (NM_001164760.2); c.-23+385G>T (NM_001164759.1); c.-23+320G>T (NM_001164758.2); short protein forms R184S.
Identifiers: ClinVar variation 241208 (VCV000241208.11), dbSNP rs878855039, ClinGen allele CA10582538.